The following is an entry in ClinVar:

NM_003628.6(PKP4):c.3362C>G (p.Ser1121Cys)

Genes: PKP4 (plakophilin 4; plus strand), PKP4-AS1 (PKP4 antisense RNA 1; minus strand). Cytogenetic location: 2q24.1.
Variant type: single nucleotide variant.
Coding change: c.3362C>G on transcript NM_003628.6 (MANE Select); coding-DNA position 3362, C replaced by G.
Protein change: p.Ser1121Cys; replaces serine 1121 with cysteine.
Molecular consequence: missense variant.
Genome position (GRCh38, 1-based): chr2:158,680,460, C>G. VCF-style: chr2-158680460-C-G. GRCh37 (hg19) VCF-style: chr2-159536972-C-G.
Other names: c.3233C>G, p.Ser1078Cys (NM_001005476.4, NM_001377225.1); c.3359C>G, p.Ser1120Cys (NM_001304969.3, NM_001377219.1, NM_001377220.1 and 1 more transcripts); c.2333C>G, p.Ser778Cys (NM_001304970.3); c.3362C>G, p.Ser1121Cys (NM_001377218.1); c.3356C>G, p.Ser1119Cys (NM_001377222.1, NM_001377223.1); c.3353C>G, p.Ser1118Cys (NM_001377224.1); c.3230C>G, p.Ser1077Cys (NM_001377226.1); short protein forms S1077C, S1118C, S1120C, S1078C, S1119C, S1121C, S778C.
Identifiers: ClinVar variation 1730626 (VCV001730626.2), dbSNP rs557821246, ClinGen allele CA1921337.

ClinVar aggregate classification (germline): Uncertain significance (1 of 4 stars; one submission).

Allele frequency attached by ClinVar (database versions not stated): TOPMed 0.00008; gnomAD 0.00017; gnomAD exomes 0.00028; ExAC 0.00061; 1000 Genomes Project 0.00100; 1000 Genomes Project 30x 0.00109.
gnomAD v4.1: 432 of 1,612,724 alleles (0.027%); highest among the groups gnomAD compares: South Asian, 0.45%; 9 homozygotes.

Submission:

Ambry Genetics
Classification: Uncertain significance. Last evaluated: 2023-12-15. Review status: criteria provided, single submitter. Criteria: Ambry Variant Classification Scheme 2023. Collection method: clinical testing. Allele origin: germline.
Comment: The p.S1121C variant (also known as c.3362C>G), located in coding exon 21 of the PKP4 gene, results from a C to G substitution at nucleotide position 3362. The serine at codon 1121 is replaced by cysteine, an amino acid with dissimilar properties. This amino acid position is conserved. In addition, this alteration is predicted to be tolerated by in silico analysis. Since supporting evidence is limited at this time, the clinical significance of this alteration remains unclear.